The following is an entry in ClinVar:

NM_000518.5(HBB):c.327C>A (p.Asn109Lys)

Genes: HBB (hemoglobin subunit beta; minus strand), LOC107133510 (origin of replication at HBB; plus strand), LOC110006319 (beta-globin gene 3' regulatory region; plus strand). Cytogenetic location: 11p15.4.
Variant type: single nucleotide variant.
Coding change: c.327C>A on transcript NM_000518.5 (MANE Select); coding-DNA position 327, C replaced by A.
Protein change: p.Asn109Lys; replaces asparagine 109 with lysine.
Molecular consequence: missense variant.
Genome position (GRCh38, 1-based): chr11:5,225,715, G>T on the plus strand (C>A on the coding strand, the complement: HBB is on the minus strand). VCF-style: chr11-5225715-G-T. GRCh37 (hg19) VCF-style: chr11-5246945-G-T.
Other names: short protein forms N109K.
Identifiers: ClinVar variation 4847669 (VCV004847669.1).

ClinVar aggregate classification (germline): Likely pathogenic (1 of 4 stars; one submission).

Conditions:
Hemoglobinopathy. Also called: Hemoglobin disorder; Haemoglobinopathies. Identifiers: MedGen C0019045, MONDO:0044348.

Submission:

Women's Health and Genetics/Laboratory Corporation of America, LabCorp
Classification: Likely pathogenic for Hemoglobinopathy. Last evaluated: 2026-03-26. Review status: criteria provided, single submitter. Criteria: LabCorp Variant Classification Summary - May 2015. Collection method: clinical testing. Allele origin: germline.
Comment: Variant summary: HBB c.327C>A (p.Asn109Lys), also referred to as Hb Presbyterian, results in a non-conservative amino acid change in the encoded protein sequence. Algorithms developed to predict the effect of missense changes on protein structure and function are either unavailable or do not agree on the potential impact of this missense change. The variant was absent in 251212 control chromosomes (gnomAD). The variant has been reported (typically described at the protein level or as Hb Presbyterian) in several carriers, who were asymptomatic or had mild anemia phenotype (Kohne_1979, Horst_1983, Oehme_1985, Schnee_1990, Moo-Penn_1978, Harano_1984, Villegas_1986, van Zwieten_2014, Pernudy-Ubau_2017). In addition, the variant was also reported in compound heterozygosity with HbS, in an individual who had mild sickle cell phenotype (Homsy_2018). Several of these reports also performed functional analysis of patient derived samples, and described that the variant results in mild instability, while also enhancing the stability of hemoglobin in the deoxy-state, conferring low affinity for oxygen binding in vitro. In addition, a study using a knock-in mouse model reported, that heterozygous mice showed lower expression of Hb Presbyterian without any hematologic abnormalities, which well mimicked human carriers, however in homozygous state it was associated with hemolytic anemia, Heinz body formation, and splenomegaly, and erythrocytes from homozygous mice showed a shortened life span when transfused into wildtype mice (Suzuki_2002). The following publications have been ascertained in the context of this evaluation (PMID: 12829441, 500379, 668922, 7961689, 12127975, 24200101, 6309649, 3101357, 2998970, 2307460, 6480363, 28395541, 31149860, 12962322). No submitters have cited clinical-significance assessments for this variant to ClinVar. Based on the evidence outlined above, the variant was classified as likely pathogenic.

Literature cited by the submitters: PubMed 3101357; PubMed 6309649; PubMed 500379; PubMed 668922; PubMed 24200101; PubMed 12829441; PubMed 2998970; PubMed 2307460; PubMed 12127975; PubMed 12962322; PubMed 6480363; PubMed 31149860; PubMed 7961689; PubMed 28395541.